The following is an entry in ClinVar:

ClinVar aggregate classification (germline): Pathogenic/Likely pathogenic. Review status: criteria provided, multiple submitters, no conflicts (2 of 4 stars). 2 submissions from 2 submitters: Pathogenic (1); Likely pathogenic (1). Last evaluated 2023-11-18.

Conditions:
PDZD7-related disorder. Also called: PDZD7-related condition; PDZD7-related disorders.

Allele frequency attached by ClinVar (database versions not stated): gnomAD exomes below 0.00001 and 0.00001; gnomAD 0.00001; TOPMed 0.00001.

Submissions (2):

Labcorp Genetics (formerly Invitae), Labcorp
Classification: Pathogenic. Last evaluated: 2023-11-18. Review status: criteria provided, single submitter. Criteria: Invitae Variant Classification Sherloc (09022015). Collection method: clinical testing. Allele origin: germline.
Comment: This sequence change creates a premature translational stop signal (p.Ala553Glyfs*19) in the PDZD7 gene. It is expected to result in an absent or disrupted protein product. Loss-of-function variants in PDZD7 are known to be pathogenic (PMID: 20440071). This variant is present in population databases (no rsID available, gnomAD 0.004%). This variant has not been reported in the literature in individuals affected with PDZD7-related conditions. ClinVar contains an entry for this variant (Variation ID: 1069268). For these reasons, this variant has been classified as Pathogenic.

PreventionGenetics, part of Exact Sciences
Classification: Likely pathogenic for PDZD7-related condition. Last evaluated: 2023-09-14. Review status: criteria provided, single submitter. Criteria: ACMG Guidelines, 2015. Collection method: clinical testing. Allele origin: germline.
Comment: The PDZD7 c.1655dupA variant is predicted to result in a frameshift and premature protein termination (p.Ala553Glyfs*19). To our knowledge, this variant has not been reported in the literature. This variant is reported in 0.0041% of alleles in individuals of Latino descent in gnomAD. Frameshift variants in PDZD7 are expected to be pathogenic. This variant is interpreted as likely pathogenic.

Literature cited by the submitters: PubMed 20440071 (cited by Labcorp Genetics (formerly Invitae), Labcorp).

NM_001195263.2(PDZD7):c.1655dup (p.Ala553fs)

Gene: PDZD7 (PDZ domain containing 7; minus strand). Cytogenetic location: 10q24.31.
Variant type: Duplication.
Coding change: c.1655dup on transcript NM_001195263.2 (MANE Select); coding-DNA position 1655, one base duplicated (A; older notation c.1655dupA).
Protein change: p.Ala553fs; shifts the reading frame from alanine 553.
Molecular consequence: frameshift variant.
Genome position (GRCh38, 1-based): chr10:101,015,730, T duplicated on the plus strand (A on the coding strand, the reverse complement: PDZD7 is on the minus strand). VCF-style (leftmost placement, unchanged base first): chr10-101015729-C-CT. GRCh37 (hg19) VCF-style: chr10-102775486-C-CT.
Other names: c.1655dupA (NM_001195263.1); short protein forms A553fs.
Identifiers: ClinVar variation 1069268 (VCV001069268.7), dbSNP rs1378470761, ClinGen allele CA595495061.